The following is an entry in ClinVar:

NM_032043.3(BRIP1):c.88A>G (p.Asn30Asp)

Gene: BRIP1 (BRCA1 interacting DNA helicase 1; minus strand). Cytogenetic location: 17q23.2.
Variant type: single nucleotide variant.
Coding change: c.88A>G on transcript NM_032043.3 (MANE Select); coding-DNA position 88, A replaced by G.
Protein change: p.Asn30Asp; replaces asparagine 30 with aspartic acid.
Molecular consequence: missense variant.
Genome position (GRCh38, 1-based): chr17:61,861,452, T>C on the plus strand (A>G on the coding strand, the complement: BRIP1 is on the minus strand). VCF-style: chr17-61861452-T-C. GRCh37 (hg19) VCF-style: chr17-59938813-T-C.
Other names: short protein forms N30D.
Identifiers: ClinVar variation 1765031 (VCV001765031.2), dbSNP rs747867580, ClinGen allele CA8691013.
Genomic context (GRCh38, chr17:61,861,452, plus strand): 5'-ATGGGTCATAAGTATCTATATCTTAATAAAAACTTAACTGCTGAAAAATACTTACAGAAT[T>C]CATCATAGCAAGCTGTGACGGGTAAGCTTTATAAGGAAAGTAAATCTTCACCCCACCAAT-3'
Protein context (NP_114432.2, residues 20-40): KAYPSQLAMM[Asn30Asp]SILRGLNSKQ

ClinVar aggregate classification (germline): Uncertain significance (1 of 4 stars; one submission).

Conditions:
Hereditary cancer-predisposing syndrome. Also called: Neoplastic Syndromes, Hereditary; Tumor predisposition; Hereditary Cancer Syndrome; Hereditary neoplastic syndrome. Identifiers: Orphanet 140162, MedGen C0027672, MeSH D009386, MONDO:0015356.

Allele frequency attached by ClinVar (database versions not stated): ExAC 0.00001.
gnomAD v4.1: 1 of 1,606,078 alleles (0.000062%); highest among the groups gnomAD compares: Non-Finnish European, 0.000085%; no homozygotes.

Submission:

Ambry Genetics
Classification: Uncertain significance for Hereditary cancer-predisposing syndrome. Last evaluated: 2020-03-04. Review status: criteria provided, single submitter. Criteria: Ambry Variant Classification Scheme 2023. Collection method: clinical testing. Allele origin: germline.
Comment: The p.N30D variant (also known as c.88A>G), located in coding exon 1 of the BRIP1 gene, results from an A to G substitution at nucleotide position 88. The asparagine at codon 30 is replaced by aspartic acid, an amino acid with highly similar properties. This amino acid position is highly conserved in available vertebrate species. In addition, this alteration is predicted to be tolerated by in silico analysis. Since supporting evidence is limited at this time, the clinical significance of this alteration remains unclear.